The following is an entry in ClinVar:

ClinVar aggregate classification (germline): Conflicting classifications of pathogenicity. Review status: criteria provided, conflicting classifications (1 of 4 stars). 6 submissions from 6 submitters: Likely pathogenic (3); Uncertain significance (3). Last evaluated 2026-09-10.

Conditions:
Charcot-Marie-Tooth disease axonal type 2T. Identifiers: Orphanet 443950, MedGen C4015635, OMIM 617017, MONDO:0014866.

Allele frequency attached by ClinVar (database versions not stated): TOPMed 0.00007; ESP Exome Variant Server 0.00008; 1000 Genomes Project 30x 0.00016; 1000 Genomes Project 0.00020.
gnomAD v4.1: 66 of 1,613,452 alleles (0.0041%); highest among the groups gnomAD compares: Admixed American, 0.065%; no homozygotes.

Submissions (6):

GeneDx
Classification: Uncertain significance. Last evaluated: 2026-09-10. Review status: criteria provided, single submitter. Criteria: GeneDx Variant Classification Process June 2021. Collection method: clinical testing. Allele origin: germline.
Comment: Reported in the heterozygous state in an individual with axonal sensorimotor polyneuropathy; however, further segregation details were not available (PMID: 42429514); In silico analysis supports that this missense variant has a deleterious effect on protein structure/function; This variant is associated with the following publications: (PMID: Milley2019[Thesis], 42429514, 41538925, 39251209)

CeGaT Center for Human Genetics Tuebingen
Classification: Likely pathogenic. Last evaluated: 2026-08-01. Review status: criteria provided, single submitter. Criteria: CeGaT Center For Human Genetics Tuebingen Variant Classification Criteria Version 2. Collection method: clinical testing. Allele origin: germline. Affected: yes. Observed: 1 variant allele.
Comment: MME: PM2, PM5, PM3:Supporting, PP3

Labcorp Genetics (formerly Invitae), Labcorp
Classification: Likely pathogenic. Last evaluated: 2025-12-16. Review status: criteria provided, single submitter. Criteria: Invitae Variant Classification Sherloc (09022015). Collection method: clinical testing. Allele origin: germline.
Comment: This sequence change replaces isoleucine, which is neutral and non-polar, with threonine, which is neutral and polar, at codon 649 of the MME protein (p.Ile649Thr). This variant is present in population databases (rs184666602, gnomAD 0.01%). This missense change has been observed in individuals with Charcot-Marie-Tooth disease (internal data). ClinVar contains an entry for this variant (Variation ID: 426487). Invitae Evidence Modeling of protein sequence and biophysical properties (such as structural, functional, and spatial information, amino acid conservation, physicochemical variation, residue mobility, and thermodynamic stability) has been performed for this missense variant. However, the output from this modeling did not meet the statistical confidence thresholds required to predict the impact of this variant on MME protein function. This variant disrupts the p.Ile649 amino acid residue in MME. Other variant(s) that disrupt this residue have been determined to be pathogenic (PMID: 33144514; internal data). This suggests that this residue is clinically significant, and that variants that disrupt this residue are likely to be disease-causing. In summary, the currently available evidence indicates that the variant is pathogenic, but additional data are needed to prove that conclusively. Therefore, this variant has been classified as Likely Pathogenic.

Mayo Clinic Laboratories, Mayo Clinic
Classification: Uncertain significance. Last evaluated: 2024-01-04. Review status: criteria provided, single submitter. Criteria: ACMG Guidelines, 2015. Collection method: clinical testing. Allele origin: germline. Observed: 1 variant allele.
Comment: PP3, PM1, PM2_moderate

Blueprint Genetics
Classification: Uncertain significance. Last evaluated: 2022-11-18. Review status: criteria provided, single submitter. Criteria: ACMG Guidelines, 2015. Collection method: clinical testing. Allele origin: germline.

Genetics Research Center, University of Social Welfare and Rehabilitation Sciences
Classification: Likely pathogenic for Charcot-Marie-Tooth disease axonal type 2T. Review status: criteria provided, single submitter. Criteria: ACMG Guidelines, 2015. Collection method: clinical testing. Allele origin: germline. Inheritance: Autosomal recessive inheritance. Affected: yes.
Comment: This variant causes a missense change involving the alteration of a conserved nucleotide (Phylop100 = 7.91). The variant allele was found at a very low frequency of 0.0000409 in 1,613,452 control chromosomes in the GnomAD database, with no homozygous occurrence. In-silico tool predicts a pathogenic outcome for this variant (REVEL = 0.96). Overall, the variant meets PM1, PM5, PP1, PP3, and PP5 ACMG criteria.

Literature cited by the submitters: PubMed 33144514 (cited by Labcorp Genetics (formerly Invitae), Labcorp); PubMed 41538925 (cited by Genetics Research Center, University of Social Welfare and Rehabilitation Sciences).

NM_007289.4(MME):c.1946T>C (p.Ile649Thr)

Gene: MME (membrane metalloendopeptidase; plus strand). Cytogenetic location: 3q25.2.
Variant type: single nucleotide variant.
Coding change: c.1946T>C on transcript NM_007289.4 (MANE Select); coding-DNA position 1946, T replaced by C.
Protein change: p.Ile649Thr; replaces isoleucine 649 with threonine.
Molecular consequence: missense variant.
Genome position (GRCh38, 1-based): chr3:155,168,763, T>C. VCF-style: chr3-155168763-T-C. GRCh37 (hg19) VCF-style: chr3-154886552-T-C.
Other names: p.Ile649Thr; c.1946T>C, p.Ile649Thr (NM_000902.5, NM_001354642.2, NM_001354643.1 and 2 more transcripts); c.1946T>C (NM_007289.3); short protein forms I649T.
Identifiers: ClinVar variation 426487 (VCV000426487.14), dbSNP rs184666602, ClinGen allele CA2675695.